The following is an entry in ClinVar:

ClinVar aggregate classification (germline): Pathogenic (1 of 4 stars; one submission).

Conditions:
Ornithine aminotransferase deficiency (GACR). Also called: HYPERORNITHINEMIA WITH GYRATE ATROPHY OF CHOROID AND RETINA; OAT DEFICIENCY; Ornithine ketoacid aminotransferase deficiency; Gyrate atrophy; Gyrate atrophy of choroid and retina; Girate atrophy of the retina. Identifiers: Orphanet 414, MedGen C0018425, MONDO:0009796, OMIM 258870.

Submission:

Labcorp Genetics (formerly Invitae), Labcorp
Classification: Pathogenic for Ornithine aminotransferase deficiency. Last evaluated: 2021-10-06. Review status: criteria provided, single submitter. Criteria: Invitae Variant Classification Sherloc (09022015). Collection method: clinical testing. Allele origin: germline.
Comment: For these reasons, this variant has been classified as Pathogenic. This variant has not been reported in the literature in individuals affected with OAT-related conditions. This variant is not present in population databases (ExAC no frequency). This sequence change creates a premature translational stop signal (p.Phe227*) in the OAT gene. It is expected to result in an absent or disrupted protein product. Loss-of-function variants in OAT are known to be pathogenic (PMID: 1737786, 23076989).

Literature cited by the submitters: PubMed 1737786; PubMed 23076989.

NM_000274.4(OAT):c.680_702del (p.Ala226_Phe227insTer)

Genes: OAT (ornithine aminotransferase; minus strand), LOC121815974 (Sharpr-MPRA regulatory region 15365; plus strand). Cytogenetic location: 10q26.13.
Variant type: Deletion.
Coding change: c.680_702del on transcript NM_000274.4 (MANE Select); coding-DNA positions 680 to 702, 23 bases deleted (TCATGGTAGAACCAATTCAGGGT).
Protein change: p.Ala226_Phe227insTer.
Molecular consequence: nonsense.
Genome position (GRCh38, 1-based): chr10:124,403,867-124,403,889, ACCCTGAATTGGTTCTACCATGA deleted on the plus strand (TCATGGTAGAACCAATTCAGGGT on the coding strand, the reverse complement: OAT is on the minus strand); deleting any 23 consecutive bases within chr10:124,403,867-124,403,891 gives the same sequence; the c. name uses the placement nearest the transcript's 3' end. VCF-style (leftmost placement, unchanged base first): chr10-124403866-CACCCTGAATTGGTTCTACCATGA-C. GRCh37 (hg19) VCF-style: chr10-126092435-CACCCTGAATTGGTTCTACCATGA-C.
Other names: c.266_288del, p.Ala88_Phe89insTer (NM_001171814.2); c.680_702del, p.Ala226_Phe227insTer (NM_001322965.2, NM_001322966.2, NM_001322967.2 and 3 more transcripts); c.359_381del, p.Ala119_Phe120insTer (NM_001322971.2); c.80_102del, p.Ala26_Phe27insTer (NM_001322974.2).
Identifiers: ClinVar variation 1454173 (VCV001454173.6), dbSNP rs2134460074, ClinGen allele CA2573145619.